The following is an entry in ClinVar:

ClinVar aggregate classification (germline): Likely pathogenic (1 of 4 stars; one submission).

Submission:

Labcorp Genetics (formerly Invitae), Labcorp
Classification: Likely pathogenic. Last evaluated: 2024-03-13. Review status: criteria provided, single submitter. Criteria: Invitae Variant Classification Sherloc (09022015). Collection method: clinical testing. Allele origin: germline.
Comment: This sequence change affects a donor splice site in intron 31 of the COL27A1 gene. It is expected to disrupt RNA splicing. Variants that disrupt the donor or acceptor splice site typically lead to a loss of protein function (PMID: 16199547), and loss-of-function variants in COL27A1 are known to be pathogenic (PMID: 24986830, 28276056). This variant is not present in population databases (gnomAD no frequency). This variant has not been reported in the literature in individuals affected with COL27A1-related conditions. Algorithms developed to predict the effect of sequence changes on RNA splicing suggest that this variant may disrupt the consensus splice site. In summary, the currently available evidence indicates that the variant is pathogenic, but additional data are needed to prove that conclusively. Therefore, this variant has been classified as Likely Pathogenic.

Literature cited by the submitters: PubMed 16199547; PubMed 24986830; PubMed 28276056.

NM_032888.4(COL27A1):c.3339+1G>A

Gene: COL27A1 (collagen type XXVII alpha 1 chain; plus strand). Cytogenetic location: 9q32.
Variant type: single nucleotide variant.
Coding change: c.3339+1G>A on transcript NM_032888.4 (MANE Select); the canonical splice donor site of the intron after coding-DNA position 3339, G replaced by A.
Molecular consequence: splice donor variant.
Genome position (GRCh38, 1-based): chr9:114,265,111, G>A. VCF-style: chr9-114265111-G-A. GRCh37 (hg19) VCF-style: chr9-117027391-G-A.
Identifiers: ClinVar variation 3645774 (VCV003645774.2).
Genomic context (GRCh38, chr9:114,265,111, plus strand): 5'-CACATGTGCTTCCAGGGTGTGGCTGGTGAGCGAGGCCACTTGGGCTCGAGAGGCTTTCCT[G>A]TAAGTAGCACCAGTTCTTGAAATTCTCTACATGGGGCTTTTGATGGGGGTGGGGGGCGGG-3'